The following is an entry in ClinVar:

ClinVar aggregate classification (germline): Uncertain significance. Review status: criteria provided, multiple submitters, no conflicts (2 of 4 stars). 2 submissions from 2 submitters: Uncertain significance (2). Last evaluated 2026-09-11.

Conditions:
Inborn genetic diseases. Identifiers: MedGen C0950123, MeSH D030342.
Fanconi anemia complementation group A (FANCA). Also called: Fanconi anemia, group A; FANCA-Related Fanconi Anemia. Identifiers: Orphanet 84, MedGen C3469521, MONDO:0009215, OMIM 227650.

gnomAD v4.1: 1 of 1,614,118 alleles (0.000062%); highest among the groups gnomAD compares: Non-Finnish European, 0.000085%; no homozygotes.

Submissions (2):

Ambry Genetics
Classification: Uncertain significance for Inborn genetic diseases. Last evaluated: 2026-09-11. Review status: criteria provided, single submitter. Criteria: Ambry Variant Classification Scheme 2023. Collection method: clinical testing. Allele origin: germline.
Comment: The p.H463Y variant (also known as c.1387C>T), located in coding exon 15 of the FANCA gene, results from a C to T substitution at nucleotide position 1387. The histidine at codon 463 is replaced by tyrosine, an amino acid with similar properties. This amino acid position is conserved. In addition, this alteration is predicted to be deleterious by in silico analysis. Based on the available evidence, the clinical significance of this variant remains unclear.

Fulgent Genetics
Classification: Uncertain significance for Fanconi anemia complementation group A. Last evaluated: 2024-03-11. Review status: criteria provided, single submitter. Criteria: ACMG Guidelines, 2015. Collection method: clinical testing. Allele origin: germline.

NM_000135.4(FANCA):c.1387C>T (p.His463Tyr)

Gene: FANCA (FA complementation group A; minus strand). Cytogenetic location: 16q24.3.
Variant type: single nucleotide variant.
Coding change: c.1387C>T on transcript NM_000135.4 (MANE Select); coding-DNA position 1387, C replaced by T.
Protein change: p.His463Tyr; replaces histidine 463 with tyrosine.
Molecular consequence: missense variant.
Genome position (GRCh38, 1-based): chr16:89,784,937, G>A on the plus strand (C>T on the coding strand, the complement: FANCA is on the minus strand). VCF-style: chr16-89784937-G-A. GRCh37 (hg19) VCF-style: chr16-89851345-G-A.
Other names: c.1387C>T, p.His463Tyr (NM_001286167.3); short protein forms H463Y.
Identifiers: ClinVar variation 3581543 (VCV003581543.2).
Genomic context (GRCh38, chr16:89,784,937, plus strand): 5'-AAGGCACGAGTTCTGACAAGAACGTAAACAGGAAGACCAGGGCCTTCTTGCTGCAGCCAT[G>A]GTAGCCTCGTGTGCTCCCAAAGGAGGCCTGTGTGGAGAGAAGAGCGTGAAGCCCAGGACA-3'
Protein context (NP_000126.2, residues 453-473): KASFGSTRGY[His463Tyr]GCSKKALVFL